The following is an entry in ClinVar:

ClinVar aggregate classification (germline): Pathogenic (1 of 4 stars; one submission).

Conditions:
Werner syndrome (WRN). Identifiers: Orphanet 902, MedGen C0043119, MONDO:0010196, OMIM 277700.

Submission:

Labcorp Genetics (formerly Invitae), Labcorp
Classification: Pathogenic for Werner syndrome. Last evaluated: 2026-01-06. Review status: criteria provided, single submitter. Criteria: Invitae Variant Classification Sherloc (09022015). Collection method: clinical testing. Allele origin: germline.
Comment: This sequence change creates a premature translational stop signal (p.Asn430Lysfs*7) in the WRN gene. It is expected to result in an absent or disrupted protein product. Loss-of-function variants in WRN are known to be pathogenic (PMID: 16673358). This variant is present in population databases (no rsID available, gnomAD 0.006%). This variant has not been reported in the literature in individuals affected with WRN-related conditions. ClinVar contains an entry for this variant (Variation ID: 664338). Algorithms developed to predict the effect of sequence changes on RNA splicing suggest that this variant may disrupt the consensus splice site. For these reasons, this variant has been classified as Pathogenic.

Literature cited by the submitters: PubMed 16673358.

NM_000553.6(WRN):c.1290_1293del (p.Asn430fs)

Gene: WRN (WRN RecQ like helicase; plus strand). Cytogenetic location: 8p12.
Variant type: Deletion.
Coding change: c.1290_1293del on transcript NM_000553.6 (MANE Select); coding-DNA positions 1290 to 1293, 4 bases deleted (TGAA; older notation c.1290_1293delTGAA).
Protein change: p.Asn430fs; shifts the reading frame from asparagine 430.
Molecular consequence: frameshift variant.
Genome position (GRCh38, 1-based): chr8:31,083,719-31,083,722, TGAA deleted; deleting any 4 consecutive bases within chr8:31,083,717-31,083,722 gives the same sequence; the c. name uses the placement nearest the transcript's 3' end. VCF-style (leftmost placement, unchanged base first): chr8-31083716-TAATG-T. GRCh37 (hg19) VCF-style: chr8-30941232-TAATG-T.
Other names: short protein forms N430fs.
Identifiers: ClinVar variation 664338 (VCV000664338.7), dbSNP rs1389340786, ClinGen allele CA580996689.